The following is an entry in ClinVar:

ClinVar aggregate classification (germline): Uncertain significance (1 of 4 stars; one submission).

Conditions:
Pancreatic adenocarcinoma. Identifiers: MedGen C0281361, MONDO:0006047, HP:0006725.

Submission:

Labcorp Genetics (formerly Invitae), Labcorp
Classification: Uncertain significance for Pancreatic adenocarcinoma. Last evaluated: 2022-08-09. Review status: criteria provided, single submitter. Criteria: Invitae Variant Classification Sherloc (09022015). Collection method: clinical testing. Allele origin: germline.
Comment: This variant is not present in population databases (gnomAD no frequency). This sequence change replaces proline, which is neutral and non-polar, with threonine, which is neutral and polar, at codon 88 of the PALLD protein (p.Pro88Thr). This variant has not been reported in the literature in individuals affected with PALLD-related conditions. ClinVar contains an entry for this variant (Variation ID: 843986). Algorithms developed to predict the effect of missense changes on protein structure and function (SIFT, PolyPhen-2, Align-GVGD) all suggest that this variant is likely to be disruptive. In summary, the available evidence is currently insufficient to determine the role of this variant in disease. Therefore, it has been classified as a Variant of Uncertain Significance.

NM_001166108.2(PALLD):c.1965-12769C>A

Gene: PALLD (palladin, cytoskeletal associated protein; plus strand). Cytogenetic location: 4q32.3.
Variant type: single nucleotide variant.
Coding change: c.1965-12769C>A on transcript NM_001166108.2 (MANE Select); 12769 bases into the intron before coding-DNA position 1965, C replaced by A.
Molecular consequence: intron variant. On other transcripts: missense variant (1).
Genome position (GRCh38, 1-based): chr4:168,878,153, C>A. VCF-style: chr4-168878153-C-A. GRCh37 (hg19) VCF-style: chr4-169799304-C-A.
Other names: c.262C>A, p.Pro88Thr (NM_001166110.2); c.1965-12769C>A (NM_016081.4); c.819-12769C>A (NM_001166109.2); c.-157-12769C>A (NM_001367570.1, NM_001367568.1, NM_001367567.1 and 1 more transcripts); short protein forms P88T.
Identifiers: ClinVar variation 843986 (VCV000843986.9), dbSNP rs1246689760, ClinGen allele CA358795860.